The following is an entry in ClinVar:

ClinVar aggregate classification (germline): Uncertain significance (1 of 4 stars; one submission).

Allele frequency attached by ClinVar (database versions not stated): TOPMed below 0.00001.

Submission:

Labcorp Genetics (formerly Invitae), Labcorp
Classification: Uncertain significance. Last evaluated: 2023-11-10. Review status: criteria provided, single submitter. Criteria: Invitae Variant Classification Sherloc (09022015). Collection method: clinical testing. Allele origin: germline.
Comment: This sequence change replaces lysine, which is basic and polar, with arginine, which is basic and polar, at codon 90 of the FOXJ1 protein (p.Lys90Arg). This variant is not present in population databases (gnomAD no frequency). This variant has not been reported in the literature in individuals affected with FOXJ1-related conditions. An algorithm developed to predict the effect of missense changes on protein structure and function (PolyPhen-2) suggests that this variant is likely to be disruptive. In summary, the available evidence is currently insufficient to determine the role of this variant in disease. Therefore, it has been classified as a Variant of Uncertain Significance.

NM_001454.4(FOXJ1):c.269A>G (p.Lys90Arg)

Genes: FOXJ1 (forkhead box J1; minus strand), LOC130061707 (ATAC-STARR-seq lymphoblastoid silent region 9003; plus strand). Cytogenetic location: 17q25.1.
Variant type: single nucleotide variant.
Coding change: c.269A>G on transcript NM_001454.4 (MANE Select); coding-DNA position 269, A replaced by G.
Protein change: p.Lys90Arg; replaces lysine 90 with arginine.
Molecular consequence: missense variant.
Genome position (GRCh38, 1-based): chr17:76,140,127, T>C on the plus strand (A>G on the coding strand, the complement: FOXJ1 is on the minus strand). VCF-style: chr17-76140127-T-C. GRCh37 (hg19) VCF-style: chr17-74136208-T-C.
Other names: short protein forms K90R.
Identifiers: ClinVar variation 2791847 (VCV002791847.3), dbSNP rs1473800827, ClinGen allele CA401114810.